The following is an entry in ClinVar:

ClinVar aggregate classification (germline): Pathogenic (1 of 4 stars; one submission).

Conditions:
Dystonia 9 (DYT9). Also called: CHOREOATHETOSIS, KINESIGENIC, WITH EPISODIC ATAXIA AND SPASTICITY. Identifiers: Orphanet 53583, MedGen C1832855, MONDO:0010983, OMIM 601042.

Submission:

Unidad de Genómica Garrahan, Hospital de Pediatría Garrahan
Classification: Pathogenic for Dystonia 9. Last evaluated: 2023-02-17. Review status: criteria provided, single submitter. Criteria: ACMG Guidelines, 2015. Collection method: clinical testing. Allele origin: de novo. Inheritance: Autosomal dominant inheritance. Affected: yes. Observed: 1 heterozygote.
Comment: Patogenic Ib (PVS1, PM2, PM6)

NM_006516.4(SLC2A1):c.1141del (p.Val381fs)

Gene: SLC2A1 (solute carrier family 2 member 1; minus strand). Cytogenetic location: 1p34.2.
Variant type: Deletion.
Coding change: c.1141del on transcript NM_006516.4 (MANE Select); coding-DNA position 1141, one base deleted (G; older notation c.1141delG).
Protein change: p.Val381fs; shifts the reading frame from valine 381.
Molecular consequence: frameshift variant.
Genome position (GRCh38, 1-based): chr1:42,927,742, C deleted on the plus strand (G on the coding strand, the reverse complement: SLC2A1 is on the minus strand). VCF-style (leftmost placement, unchanged base first): chr1-42927741-AC-A. GRCh37 (hg19) VCF-style: chr1-43393412-AC-A.
Other names: short protein forms V381fs.
Identifiers: ClinVar variation 2430183 (VCV002430183.3), dbSNP rs2524984768, ClinGen allele CA2580062812.